The following is an entry in ClinVar:

ClinVar aggregate classification (germline): Conflicting classifications of pathogenicity. Review status: criteria provided, conflicting classifications (1 of 4 stars). 3 submissions from 3 submitters: Uncertain significance (1); Benign (1). 1 of the submissions does not count toward it. Last evaluated 2024-02-22.

Conditions:
Dubin-Johnson syndrome (DJS). Also called: HYPERBILIRUBINEMIA, DUBIN-JOHNSON TYPE; Jaundice, Chronic Idiopathic; Hyperbilirubinemia type 2. Identifiers: Orphanet 234, MedGen C0022350, MONDO:0009380, OMIM 237500.
ABCC2-related disorder. Also called: ABCC2-related condition.

Allele frequency attached by ClinVar (database versions not stated): ESP Exome Variant Server 0.00008; gnomAD exomes 0.00009 and 0.00021; gnomAD 0.00012; ExAC 0.00014; TOPMed 0.00014.

Submissions (3):

Labcorp Genetics (formerly Invitae), Labcorp
Classification: Benign. Last evaluated: 2024-02-22. Review status: criteria provided, single submitter. Criteria: Invitae Variant Classification Sherloc (09022015). Collection method: clinical testing. Allele origin: germline.

Illumina Laboratory Services, Illumina
Classification: Uncertain significance for Dubin-Johnson syndrome. Last evaluated: 2018-01-12. Review status: criteria provided, single submitter. Criteria: ICSL Variant Classification Criteria 13 December 2019. Collection method: clinical testing. Allele origin: germline.

PreventionGenetics, part of Exact Sciences
Classification: Likely benign for ABCC2-related condition. Last evaluated: 2024-02-02. Review status: no assertion criteria provided. Collection method: clinical testing. Allele origin: germline. Not counted in ClinVar's aggregate classification.
Comment: This variant is classified as likely benign based on ACMG/AMP sequence variant interpretation guidelines (Richards et al. 2015 PMID: 25741868, with internal and published modifications).

NM_000392.5(ABCC2):c.3357C>T (p.Ala1119=)

Genes: ABCC2 (ATP binding cassette subfamily C member 2; plus strand), LOC126861013 (CDK7 strongly-dependent group 2 enhancer GRCh37_chr10:101593724-101594923; plus strand). Cytogenetic location: 10q24.2.
Variant type: single nucleotide variant.
Coding change: c.3357C>T on transcript NM_000392.5 (MANE Select); coding-DNA position 3357, C replaced by T.
Protein change: p.Ala1119=; no amino-acid change (alanine 1119 retained).
Molecular consequence: synonymous variant.
Genome position (GRCh38, 1-based): chr10:99,834,478, C>T. VCF-style: chr10-99834478-C-T. GRCh37 (hg19) VCF-style: chr10-101594235-C-T.
Other names: c.3357C>T, p.Ala1119= (LRG_1208t1); c.3357C>T (NM_000392.4).
Identifiers: ClinVar variation 298464 (VCV000298464.11), dbSNP rs376532575, ClinGen allele CA5643775.